The following is an entry in ClinVar:

ClinVar aggregate classification (germline): Benign. Review status: criteria provided, multiple submitters, no conflicts (2 of 4 stars). 3 submissions from 3 submitters: Benign (3). Last evaluated 2025-10-01.

Allele frequency attached by ClinVar (database versions not stated): 1000 Genomes Project 0.00220; 1000 Genomes Project 30x 0.00234; gnomAD exomes 0.00627; gnomAD 0.00638 and 0.00663; TOPMed 0.00640; ExAC 0.00682; ESP Exome Variant Server 0.00902.
gnomAD v4.1: 16,294 of 1,585,630 alleles (1%); highest among the groups gnomAD compares: Non-Finnish European, 1.3%; 113 homozygotes.

Submissions (3):

CeGaT Center for Human Genetics Tuebingen
Classification: Benign. Last evaluated: 2025-10-01. Review status: criteria provided, single submitter. Criteria: CeGaT Center For Human Genetics Tuebingen Variant Classification Criteria Version 2. Collection method: clinical testing. Allele origin: germline. Affected: yes. Observed: 6 variant alleles.
Comment: SYCP2: BP4, BS1, BS2

Labcorp Genetics (formerly Invitae), Labcorp
Classification: Benign. Last evaluated: 2018-06-26. Review status: criteria provided, single submitter. Criteria: Invitae Variant Classification Sherloc (09022015). Collection method: clinical testing. Allele origin: germline.

Breakthrough Genomics
Classification: Benign. Review status: criteria provided, single submitter. Criteria: ACMG Guidelines, 2015. Collection method: not provided. Allele origin: germline. Inheritance: Autosomal dominant inheritance. Affected: yes.

NM_014258.4(SYCP2):c.2452A>G (p.Ile818Val)

Gene: SYCP2 (synaptonemal complex protein 2; minus strand). Cytogenetic location: 20q13.33.
Variant type: single nucleotide variant.
Coding change: c.2452A>G on transcript NM_014258.4 (MANE Select); coding-DNA position 2452, A replaced by G.
Protein change: p.Ile818Val; replaces isoleucine 818 with valine.
Molecular consequence: missense variant.
Genome position (GRCh38, 1-based): chr20:59,886,747, T>C on the plus strand (A>G on the coding strand, the complement: SYCP2 is on the minus strand). VCF-style: chr20-59886747-T-C. GRCh37 (hg19) VCF-style: chr20-58461802-T-C.
Other names: short protein forms I818V.
Identifiers: ClinVar variation 773610 (VCV000773610.31), dbSNP rs142942464, ClinGen allele CA9931865.